The following is an entry in ClinVar:

NM_001003694.2(BRPF1):c.1309A>G (p.Ser437Gly)

Gene: BRPF1 (bromodomain and PHD finger containing 1; plus strand). Cytogenetic location: 3p25.3.
Variant type: single nucleotide variant.
Coding change: c.1309A>G on transcript NM_001003694.2 (MANE Select); coding-DNA position 1309, A replaced by G.
Protein change: p.Ser437Gly; replaces serine 437 with glycine.
Molecular consequence: missense variant. On other transcripts: non-coding transcript variant (1).
Genome position (GRCh38, 1-based): chr3:9,739,708, A>G. VCF-style: chr3-9739708-A-G. GRCh37 (hg19) VCF-style: chr3-9781392-A-G.
Other names: c.1309A>G, p.Ser437Gly (NM_001319049.2, NM_001319050.2, NM_001410704.1 and 1 more transcripts); short protein forms S437G.
Identifiers: ClinVar variation 3731220 (VCV003731220.2).

ClinVar aggregate classification (germline): Uncertain significance (1 of 4 stars; one submission).

Submission:

GeneDx
Classification: Uncertain significance. Last evaluated: 2025-09-03. Review status: criteria provided, single submitter. Criteria: GeneDx Variant Classification Process June 2021. Collection method: clinical testing. Allele origin: germline.
Comment: Not observed at significant frequency in large population cohorts (gnomAD); In silico analysis supports that this missense variant has a deleterious effect on protein structure/function; Has not been previously published as pathogenic or benign to our knowledge